The following is an entry in ClinVar:

ClinVar aggregate classification (germline): Uncertain significance. Review status: criteria provided, multiple submitters, no conflicts (2 of 4 stars). 2 submissions from 2 submitters: Uncertain significance (2). Last evaluated 2025-05-21.

Conditions:
Inborn genetic diseases. Identifiers: MedGen C0950123, MeSH D030342.

Allele frequency attached by ClinVar (database versions not stated): gnomAD 0.00002; TOPMed 0.00003; ExAC 0.00004; gnomAD exomes 0.00004.

Submissions (2):

Ambry Genetics
Classification: Uncertain significance for Inborn genetic diseases. Last evaluated: 2025-05-21. Review status: criteria provided, single submitter. Criteria: Ambry Variant Classification Scheme 2023. Collection method: clinical testing. Allele origin: germline.

Labcorp Genetics (formerly Invitae), Labcorp
Classification: Uncertain significance. Last evaluated: 2025-01-23. Review status: criteria provided, single submitter. Criteria: Invitae Variant Classification Sherloc (09022015). Collection method: clinical testing. Allele origin: germline.
Comment: This sequence change replaces arginine, which is basic and polar, with histidine, which is basic and polar, at codon 454 of the PODXL protein (p.Arg454His). The frequency data for this variant in the population databases is considered unreliable, as metrics indicate poor data quality at this position in the gnomAD database. This variant has not been reported in the literature in individuals affected with PODXL-related conditions. ClinVar contains an entry for this variant (Variation ID: 1927705). An algorithm developed to predict the effect of missense changes on protein structure and function (PolyPhen-2) suggests that this variant is likely to be disruptive. In summary, the available evidence is currently insufficient to determine the role of this variant in disease. Therefore, it has been classified as a Variant of Uncertain Significance.

NM_001018111.3(PODXL):c.1457G>A (p.Arg486His)

Gene: PODXL (podocalyxin like; minus strand). Cytogenetic location: 7q32.3.
Variant type: single nucleotide variant.
Coding change: c.1457G>A on transcript NM_001018111.3 (MANE Select); coding-DNA position 1457, G replaced by A.
Protein change: p.Arg486His; replaces arginine 486 with histidine.
Molecular consequence: missense variant.
Genome position (GRCh38, 1-based): chr7:131,505,890, C>T on the plus strand (G>A on the coding strand, the complement: PODXL is on the minus strand). VCF-style: chr7-131505890-C-T. GRCh37 (hg19) VCF-style: chr7-131190649-C-T.
Other names: c.1361G>A, p.Arg454His (NM_005397.4); c.1457G>A (NM_001018111.2); short protein forms R486H, R454H.
Identifiers: ClinVar variation 1927705 (VCV001927705.6), dbSNP rs753800584, ClinGen allele CA4488359.